The following is an entry in ClinVar:

ClinVar aggregate classification (germline): Pathogenic (1 of 4 stars; one submission).

Conditions:
Mitochondrial hypertrophic cardiomyopathy with lactic acidosis due to MTO1 deficiency. Also called: CARDIOMYOPATHY, INFANTILE HYPERTROPHIC MITOCHONDRIAL, AND LACTIC ACIDOSIS; Combined oxidative phosphorylation deficiency 10. Identifiers: Orphanet 314637, MedGen C4749921, MONDO:0013865, OMIM 614702.

Submission:

Labcorp Genetics (formerly Invitae), Labcorp
Classification: Pathogenic for Mitochondrial hypertrophic cardiomyopathy with lactic acidosis due to MTO1 deficiency. Last evaluated: 2024-11-28. Review status: criteria provided, single submitter. Criteria: Invitae Variant Classification Sherloc (09022015). Collection method: clinical testing. Allele origin: germline.
Comment: This sequence change creates a premature translational stop signal (p.Ser262Tyrfs*22) in the MTO1 gene. It is expected to result in an absent or disrupted protein product. Loss-of-function variants in MTO1 are known to be pathogenic (PMID: 22608499, 25058219). This variant is not present in population databases (gnomAD no frequency). This variant has not been reported in the literature in individuals affected with MTO1-related conditions. For these reasons, this variant has been classified as Pathogenic.

Literature cited by the submitters: PubMed 22608499; PubMed 25058219.

NM_012123.4(MTO1):c.785_788del (p.Ser262fs)

Gene: MTO1 (mitochondrial tRNA translation optimization 1; plus strand). Cytogenetic location: 6q13.
Variant type: Microsatellite.
Coding change: c.785_788del on transcript NM_012123.4 (MANE Select); coding-DNA positions 785 to 788, 4 bases deleted (CCAT; older notation c.785_788delCCAT).
Protein change: p.Ser262fs; shifts the reading frame from serine 262.
Molecular consequence: frameshift variant.
Genome position (GRCh38, 1-based): chr6:73,473,614-73,473,617, CCAT deleted; deleting any 4 consecutive bases within chr6:73,473,608-73,473,617 gives the same sequence; the c. name uses the placement nearest the transcript's 3' end. VCF-style (leftmost placement, unchanged base first): chr6-73473607-AATCC-A. GRCh37 (hg19) VCF-style: chr6-74183330-AATCC-A.
Other names: c.785_788del, p.Ser262fs (NM_001123226.2, NM_133645.3); short protein forms S262fs.
Identifiers: ClinVar variation 3725051 (VCV003725051.2).
Genomic context (GRCh38, chr6:73,473,607, plus strand): 5'-CCACCCCGAATTGCCAAAGAGTCCATTAATTTCAGTATTCTAAACAAGCATATACCGGAC[AATCC>A]ATCCATACCATTCAGCTTTACCAATGAGACAGTATGGATTAAGGTAAGATACTTTACGAA-3'